The following is an entry in ClinVar:

ClinVar aggregate classification (germline): Uncertain significance. Review status: criteria provided, single submitter (1 of 4 stars). 2 submissions from 2 submitters: Uncertain significance (1). 1 of the submissions does not count toward it. Last evaluated 2022-03-15.

Conditions:
Retinitis pigmentosa 28 (RP28). Identifiers: Orphanet 791, MedGen C1419614, MONDO:0011630, OMIM 606068.

Allele frequency attached by ClinVar (database versions not stated): gnomAD 0.00001; gnomAD exomes 0.00002 and 0.00003; TOPMed 0.00002; ExAC 0.00005.
gnomAD v4.1: 29 of 1,614,046 alleles (0.0018%); highest among the groups gnomAD compares: South Asian, 0.0077%; 1 homozygote.

Submissions (2):

Labcorp Genetics (formerly Invitae), Labcorp
Classification: Uncertain significance. Last evaluated: 2022-03-15. Review status: criteria provided, single submitter. Criteria: Invitae Variant Classification Sherloc (09022015). Collection method: clinical testing. Allele origin: germline.
Comment: This sequence change replaces arginine, which is basic and polar, with cysteine, which is neutral and slightly polar, at codon 495 of the FAM161A protein (p.Arg495Cys). This variant is present in population databases (rs759263986, gnomAD 0.01%), including at least one homozygous and/or hemizygous individual. This variant has not been reported in the literature in individuals affected with FAM161A-related conditions. ClinVar contains an entry for this variant (Variation ID: 991310). Algorithms developed to predict the effect of missense changes on protein structure and function are either unavailable or do not agree on the potential impact of this missense change (SIFT: "Deleterious"; PolyPhen-2: "Benign"; Align-GVGD: "Class C0"). Algorithms developed to predict the effect of sequence changes on RNA splicing suggest that this variant may create or strengthen a splice site. In summary, the available evidence is currently insufficient to determine the role of this variant in disease. Therefore, it has been classified as a Variant of Uncertain Significance.

Natera, Inc.
Classification: Uncertain significance for Retinitis pigmentosa type 28. Last evaluated: 2020-08-21. Review status: no assertion criteria provided. Collection method: clinical testing. Allele origin: germline. Not counted in ClinVar's aggregate classification.

NM_001201543.2(FAM161A):c.1483C>T (p.Arg495Cys)

Gene: FAM161A (FAM161 centrosomal protein A; minus strand). Cytogenetic location: 2p15.
Variant type: single nucleotide variant.
Coding change: c.1483C>T on transcript NM_001201543.2 (MANE Select); coding-DNA position 1483, C replaced by T.
Protein change: p.Arg495Cys; replaces arginine 495 with cysteine.
Molecular consequence: missense variant. On other transcripts: non-coding transcript variant (1).
Genome position (GRCh38, 1-based): chr2:61,839,521, G>A on the plus strand (C>T on the coding strand, the complement: FAM161A is on the minus strand). VCF-style: chr2-61839521-G-A. GRCh37 (hg19) VCF-style: chr2-62066656-G-A.
Other names: c.1483C>T, p.Arg495Cys (NM_032180.3); short protein forms R495C.
Identifiers: ClinVar variation 991310 (VCV000991310.3), dbSNP rs759263986, ClinGen allele CA1679144.
Genomic context (GRCh38, chr2:61,839,521, plus strand): 5'-CGGGAGGGTTGCAGTTACAAGGCACAGGGTTTACACCTGCACATCTTACTGGTGACTTAC[G>A]CCTTGGAGACAAATAAGGCCAACGTGTTTCTTTTAAATTTTCTTCATCTGCTTCGATGTC-3'
Protein context (NP_001188472.1, residues 485-505): ETRWPYLSPR[Arg495Cys]KSPVRCAGVN